The following is an entry in ClinVar:

ClinVar aggregate classification (germline): Pathogenic/Likely pathogenic. Review status: criteria provided, multiple submitters, no conflicts (2 of 4 stars). 2 submissions from 2 submitters: Pathogenic (1); Likely pathogenic (1). Last evaluated 2024-10-13.

Conditions:
Hypercalcemia, infantile, 2 (HCINF2). Identifiers: Orphanet 300547, MedGen C4310473, MONDO:0014851, OMIM 616963.

Submissions (2):

Labcorp Genetics (formerly Invitae), Labcorp
Classification: Pathogenic. Last evaluated: 2024-10-13. Review status: criteria provided, single submitter. Criteria: Invitae Variant Classification Sherloc (09022015). Collection method: clinical testing. Allele origin: germline.
Comment: This sequence change creates a premature translational stop signal (p.Ser176Trpfs*36) in the SLC34A1 gene. It is expected to result in an absent or disrupted protein product. Loss-of-function variants in SLC34A1 are known to be pathogenic (PMID: 26047794). This variant is present in population databases (rs757124444, gnomAD 0.03%). This variant has not been reported in the literature in individuals affected with SLC34A1-related conditions. For these reasons, this variant has been classified as Pathogenic.

3billion
Classification: Likely pathogenic for Hypercalcemia, infantile, 2. Last evaluated: 2023-02-23. Review status: criteria provided, single submitter. Criteria: ACMG Guidelines, 2015. Collection method: clinical testing. Allele origin: unknown. Affected: yes.
Comment: The variant is observed at an extremely low frequency in the gnomAD v2.1.1 dataset (total allele frequency: 0.002%). This variant was predicted to result in a loss or disruption of normal protein function through nonsense-mediated decay (NMD) or protein truncation. Multiple pathogenic variants are reported downstream of the variant. Therefore, this variant is classified as Likely pathogenic according to the recommendation of ACMG/AMP guideline.

Literature cited by the submitters: PubMed 26047794 (cited by Labcorp Genetics (formerly Invitae), Labcorp).

NM_003052.5(SLC34A1):c.527_528del (p.Ser176fs)

Gene: SLC34A1 (solute carrier family 34 member 1; plus strand). Cytogenetic location: 5q35.3.
Variant type: Microsatellite.
Coding change: c.527_528del on transcript NM_003052.5 (MANE Select); coding-DNA positions 527 to 528, 2 bases deleted (CT; older notation c.527_528delCT).
Protein change: p.Ser176fs; shifts the reading frame from serine 176.
Molecular consequence: frameshift variant.
Genome position (GRCh38, 1-based): chr5:177,386,561-177,386,562, CT deleted; deleting any 2 consecutive bases within chr5:177,386,559-177,386,562 gives the same sequence; the c. name uses the placement nearest the transcript's 3' end. VCF-style (leftmost placement, unchanged base first): chr5-177386558-CCT-C. GRCh37 (hg19) VCF-style: chr5-176813559-CCT-C.
Other names: c.527_528del, p.Ser176fs (NM_001167579.2); short protein forms S176fs.
Identifiers: ClinVar variation 2444055 (VCV002444055.3), dbSNP rs757124444, ClinGen allele CA3580410.